The following is an entry in ClinVar:

ClinVar aggregate classification (germline): Uncertain significance (1 of 4 stars; one submission).

Submission:

Ambry Genetics
Classification: Uncertain significance. Last evaluated: 2025-06-04. Review status: criteria provided, single submitter. Criteria: Ambry Variant Classification Scheme 2023. Collection method: clinical testing. Allele origin: germline.
Comment: The p.K758E variant (also known as c.2272A>G), located in coding exon 1 of the MLH3 gene, results from an A to G substitution at nucleotide position 2272. The lysine at codon 758 is replaced by glutamic acid, an amino acid with similar properties. This amino acid position is conserved. In addition, this alteration is predicted to be tolerated by in silico analysis. Based on the available evidence, the clinical significance of this variant remains unclear.

NM_001040108.2(MLH3):c.2272A>G (p.Lys758Glu)

Gene: MLH3 (mutL homolog 3; minus strand). Cytogenetic location: 14q24.3.
Variant type: single nucleotide variant.
Coding change: c.2272A>G on transcript NM_001040108.2 (MANE Select); coding-DNA position 2272, A replaced by G.
Protein change: p.Lys758Glu; replaces lysine 758 with glutamic acid.
Molecular consequence: missense variant.
Genome position (GRCh38, 1-based): chr14:75,047,384, T>C on the plus strand (A>G on the coding strand, the complement: MLH3 is on the minus strand). VCF-style: chr14-75047384-T-C. GRCh37 (hg19) VCF-style: chr14-75514087-T-C.
Other names: c.2272A>G, p.Lys758Glu (NM_014381.3); short protein forms K758E.
Identifiers: ClinVar variation 4055518 (VCV004055518.1).